The following is an entry in ClinVar:

NM_201384.3(PLEC):c.10222T>C (p.Tyr3408His)

Gene: PLEC (plectin; minus strand). Cytogenetic location: 8q24.3.
Variant type: single nucleotide variant.
Coding change: c.10222T>C on transcript NM_201384.3 (MANE Select); coding-DNA position 10222, T replaced by C.
Protein change: p.Tyr3408His; replaces tyrosine 3408 with histidine.
Molecular consequence: missense variant.
Genome position (GRCh38, 1-based): chr8:143,919,599, A>G on the plus strand (T>C on the coding strand, the complement: PLEC is on the minus strand). VCF-style: chr8-143919599-A-G. GRCh37 (hg19) VCF-style: chr8-144993767-A-G.
Other names: c.10303T>C, p.Tyr3435His (NM_000445.5); c.6922T>C, p.Tyr2308His (NM_001410941.1); c.10180T>C, p.Tyr3394His (NM_201378.4); c.10156T>C, p.Tyr3386His (NM_201379.3); c.10633T>C, p.Tyr3545His (NM_201380.4); c.10126T>C, p.Tyr3376His (NM_201381.3); c.10222T>C, p.Tyr3408His (NM_201382.4); c.10234T>C, p.Tyr3412His (NM_201383.3); short protein forms Y3386H, Y3394H, Y3408H, Y2308H, Y3435H, Y3545H, Y3376H, Y3412H.
Identifiers: ClinVar variation 2011253 (VCV002011253.4), dbSNP rs2537263217, ClinGen allele CA372502767.

ClinVar aggregate classification (germline): Uncertain significance (1 of 4 stars; one submission).

Conditions:
Epidermolysis bullosa simplex 5B, with muscular dystrophy (EBS5B). Also called: Epidermolysis bullosa simplex with muscular dystrophy; EPIDERMOLYSIS BULLOSA SIMPLEX AND LIMB-GIRDLE MUSCULAR DYSTROPHY. Identifiers: Orphanet 257, MedGen C2931072, MONDO:0009181, OMIM 226670.
Epidermolysis bullosa simplex, Ogna type (EBS5A). Also called: Pidermolysis bullosa simplex 5A, Ogna type; EPIDERMOLYSIS BULLOSA SIMPLEX 5A, OGNA TYPE. Identifiers: Orphanet 79401, MedGen C0432317, MONDO:0007555, OMIM 131950.
Epidermolysis bullosa simplex 5C, with pyloric atresia (EBS5C). Also called: PLEC-Related Epidermolysis Bullosa with Pyloric Atresia; Epidermolysis bullosa simplex with pyloric atresia; PLEC1-Related Epidermolysis Bullosa with Pyloric Atresia. Identifiers: Orphanet 158684, MedGen C2677349, MONDO:0012807, OMIM 612138.
Autosomal recessive limb-girdle muscular dystrophy type 2Q (LGMDR17). Also called: MUSCULAR DYSTROPHY, LIMB-GIRDLE, AUTOSOMAL RECESSIVE 17. Identifiers: Orphanet 254361, MedGen C3150989, MONDO:0013390, OMIM 613723.
Epidermolysis bullosa simplex with nail dystrophy (EBS5D). Identifiers: MedGen C4225309, MONDO:0014661, OMIM 616487.

Submission:

Labcorp Genetics (formerly Invitae), Labcorp
Classification: Uncertain significance for Autosomal recessive limb-girdle muscular dystrophy type 2Q; Epidermolysis bullosa simplex, Ogna type; Epidermolysis bullosa simplex with nail dystrophy; Epidermolysis bullosa simplex 5C, with pyloric atresia; Epidermolysis bullosa simplex 5B, with muscular dystrophy. Last evaluated: 2022-08-24. Review status: criteria provided, single submitter. Criteria: Invitae Variant Classification Sherloc (09022015). Collection method: clinical testing. Allele origin: germline.
Comment: This sequence change replaces tyrosine, which is neutral and polar, with histidine, which is basic and polar, at codon 3435 of the PLEC protein (p.Tyr3435His). This variant is not present in population databases (gnomAD no frequency). In summary, the available evidence is currently insufficient to determine the role of this variant in disease. Therefore, it has been classified as a Variant of Uncertain Significance. Algorithms developed to predict the effect of missense changes on protein structure and function are either unavailable or do not agree on the potential impact of this missense change (SIFT: "Tolerated"; PolyPhen-2: "Probably Damaging"; Align-GVGD: "Class C0"). This variant has not been reported in the literature in individuals affected with PLEC-related conditions.